The following is an entry in ClinVar:

ClinVar aggregate classification (germline): Uncertain significance. Review status: criteria provided, multiple submitters, no conflicts (2 of 4 stars). 2 submissions from 2 submitters: Uncertain significance (2). Last evaluated 2026-09-14.

Conditions:
Brugada syndrome. Also called: Sudden unexpected nocturnal death syndrome; Sudden unexplained nocturnal death syndrome; Sudden Unexplained Death Syndrome; Sudden Unexplained Nocturnal Death Syndrome (SUNDS). Identifiers: Orphanet 130, MedGen C1142166, MONDO:0015263.
Cardiovascular phenotype. Identifiers: MedGen CN230736.

gnomAD v4.1: 4 of 1,613,538 alleles (0.00025%); highest among the groups gnomAD compares: Non-Finnish European, 0.00025%; no homozygotes.

Submissions (2):

Ambry Genetics
Classification: Uncertain significance for Cardiovascular phenotype. Last evaluated: 2026-09-14. Review status: criteria provided, single submitter. Criteria: Ambry Variant Classification Scheme 2023. Collection method: clinical testing. Allele origin: germline.
Comment: The p.M487V variant (also known as c.1459A>G), located in coding exon 10 of the SCN10A gene, results from an A to G substitution at nucleotide position 1459. The methionine at codon 487 is replaced by valine, an amino acid with highly similar properties. This amino acid position is conserved. In addition, the in silico prediction for this alteration is inconclusive. Based on the available evidence, the clinical significance of this variant remains unclear.

Labcorp Genetics (formerly Invitae), Labcorp
Classification: Uncertain significance for Brugada syndrome. Last evaluated: 2024-10-24. Review status: criteria provided, single submitter. Criteria: Invitae Variant Classification Sherloc (09022015). Collection method: clinical testing. Allele origin: germline.
Comment: This sequence change replaces methionine, which is neutral and non-polar, with valine, which is neutral and non-polar, at codon 487 of the SCN10A protein (p.Met487Val). This variant is not present in population databases (gnomAD no frequency). This variant has not been reported in the literature in individuals affected with SCN10A-related conditions. An algorithm developed to predict the effect of missense changes on protein structure and function (PolyPhen-2) suggests that this variant is likely to be tolerated. Algorithms developed to predict the effect of sequence changes on RNA splicing suggest that this variant may disrupt the consensus splice site. In summary, the available evidence is currently insufficient to determine the role of this variant in disease. Therefore, it has been classified as a Variant of Uncertain Significance.

NM_006514.4(SCN10A):c.1459A>G (p.Met487Val)

Gene: SCN10A (sodium voltage-gated channel alpha subunit 10; minus strand). Cytogenetic location: 3p22.2.
Variant type: single nucleotide variant.
Coding change: c.1459A>G on transcript NM_006514.4 (MANE Select); coding-DNA position 1459, A replaced by G.
Protein change: p.Met487Val; replaces methionine 487 with valine.
Molecular consequence: missense variant.
Genome position (GRCh38, 1-based): chr3:38,755,790, T>C on the plus strand (A>G on the coding strand, the complement: SCN10A is on the minus strand). VCF-style: chr3-38755790-T-C. GRCh37 (hg19) VCF-style: chr3-38797281-T-C.
Other names: c.1459A>G (NM_006514.2); c.1459A>G, p.Met487Val (NM_001293306.2, NM_001293307.2); short protein forms M487V.
Identifiers: ClinVar variation 3628059 (VCV003628059.3).